The following is an entry in ClinVar:

NM_001244008.2(KIF1A):c.3335G>T (p.Ser1112Ile)

Gene: KIF1A (kinesin family member 1A; minus strand). Cytogenetic location: 2q37.3.
Variant type: single nucleotide variant.
Coding change: c.3335G>T on transcript NM_001244008.2 (MANE Select); coding-DNA position 3335, G replaced by T.
Protein change: p.Ser1112Ile; replaces serine 1112 with isoleucine.
Molecular consequence: missense variant.
Genome position (GRCh38, 1-based): chr2:240,745,777, C>A on the plus strand (G>T on the coding strand, the complement: KIF1A is on the minus strand). VCF-style: chr2-240745777-C-A. GRCh37 (hg19) VCF-style: chr2-241685194-C-A.
Other names: c.3059G>T, p.Ser1020Ile (NM_001320705.2, NM_001330289.2, NM_001379638.1); c.3134G>T, p.Ser1045Ile (NM_001330290.2, NM_001379634.1, NM_001379635.1 and 1 more transcripts); c.3410G>T, p.Ser1137Ile (NM_001379631.1); c.3284G>T, p.Ser1095Ile (NM_001379632.1); c.3308G>T, p.Ser1103Ile (NM_001379633.1, NM_001379642.1, NM_001379645.1); c.3032G>T, p.Ser1011Ile (NM_001379636.1, NM_001379639.1, NM_001379641.1 and 6 more transcripts); c.3107G>T, p.Ser1036Ile (NM_001379637.1, NM_001379648.1); c.3029G>T, p.Ser1010Ile (NM_001379640.1); short protein forms S1036I, S1112I, S1137I, S1010I, S1011I, S1103I, S1020I, S1045I.
Identifiers: ClinVar variation 2931185 (VCV002931185.3), dbSNP rs2537288342, ClinGen allele CA351317821.

ClinVar aggregate classification (germline): Uncertain significance (1 of 4 stars; one submission).

Conditions:
Neuropathy, hereditary sensory, type 2C. Also called: Hereditary sensory and autonomic neuropathy type IIC; KIF1A-Related HSAN2 (HSAN2C). Identifiers: Orphanet 970, MedGen C3280168, MONDO:0013634, OMIM 614213.
Hereditary spastic paraplegia 30. Identifiers: Orphanet 101010, MedGen C5235139, MONDO:0012476.
Intellectual disability, autosomal dominant 9 (NESCAVS). Also called: NESCAV SYNDROME; KIF1A-Related Neurodevelopmental Disorder. Identifiers: Orphanet 662367, MedGen C5393830, MONDO:0013656, OMIM 614255.

Allele frequency attached by ClinVar (database versions not stated): gnomAD exomes below 0.00001.
gnomAD v4.1: 1 of 1,612,892 alleles (0.000062%); highest among the groups gnomAD compares: Non-Finnish European, 0.000085%; no homozygotes.

Submission:

Labcorp Genetics (formerly Invitae), Labcorp
Classification: Uncertain significance for Hereditary spastic paraplegia 30; Neuropathy, hereditary sensory, type 2C; Intellectual disability, autosomal dominant 9. Last evaluated: 2025-11-05. Review status: criteria provided, single submitter. Criteria: Invitae Variant Classification Sherloc (09022015). Collection method: clinical testing. Allele origin: germline.
Comment: This sequence change replaces serine, which is neutral and polar, with isoleucine, which is neutral and non-polar, at codon 1011 of the KIF1A protein (p.Ser1011Ile). This variant is not present in population databases (gnomAD no frequency). This variant has not been reported in the literature in individuals affected with KIF1A-related conditions. ClinVar contains an entry for this variant (Variation ID: 2931185). Invitae Evidence Modeling of protein sequence and biophysical properties (such as structural, functional, and spatial information, amino acid conservation, physicochemical variation, residue mobility, and thermodynamic stability) indicates that this missense variant is not expected to disrupt KIF1A protein function with a negative predictive value of 95%. In summary, the available evidence is currently insufficient to determine the role of this variant in disease. Therefore, it has been classified as a Variant of Uncertain Significance.